The following is an entry in ClinVar:

NM_002458.3(MUC5B):c.5044G>A (p.Glu1682Lys)

Gene: MUC5B (mucin 5B, oligomeric mucus/gel-forming; plus strand). Cytogenetic location: 11p15.5.
Variant type: single nucleotide variant.
Coding change: c.5044G>A on transcript NM_002458.3 (MANE Select); coding-DNA position 5044, G replaced by A.
Protein change: p.Glu1682Lys; replaces glutamic acid 1682 with lysine.
Molecular consequence: missense variant.
Genome position (GRCh38, 1-based): chr11:1,241,924, G>A. VCF-style: chr11-1241924-G-A. GRCh37 (hg19) VCF-style: chr11-1263154-G-A.
Other names: short protein forms E1682K.
Identifiers: ClinVar variation 2523272 (VCV002523272.26), dbSNP rs551505442, ClinGen allele CA5805565.
Genomic context (GRCh38, chr11:1,241,924, plus strand): 5'-TACACAAGCACCCTTGGTACAGCCACCACGGGAGGCCCCACGACGCCTGCAGGCTCCACA[G>A]AACCCACTGTCCCAGGGGTGGCCACATCCACCCTTCCAACACGCTCAGCCCTTCCAGGGA-3'
Protein context (NP_002449.2, residues 1672-1692): GGPTTPAGST[Glu1682Lys]PTVPGVATST

ClinVar aggregate classification (germline): Conflicting classifications of pathogenicity. Review status: criteria provided, conflicting classifications (1 of 4 stars). 2 submissions from 2 submitters: Uncertain significance (1); Likely benign (1). Last evaluated 2025-10-07.

Allele frequency attached by ClinVar (database versions not stated): gnomAD exomes 0.00004; ExAC 0.00005; gnomAD 0.00005; TOPMed 0.00006.
gnomAD v4.1: 63 of 1,609,256 alleles (0.0039%); highest among the groups gnomAD compares: Admixed American, 0.0051%; no homozygotes.

Submissions (2):

Ambry Genetics
Classification: Uncertain significance. Last evaluated: 2025-10-07. Review status: criteria provided, single submitter. Criteria: Ambry Variant Classification Scheme 2023. Collection method: clinical testing. Allele origin: germline.

CeGaT Center for Human Genetics Tuebingen
Classification: Likely benign. Last evaluated: 2023-03-01. Review status: criteria provided, single submitter. Criteria: CeGaT Center For Human Genetics Tuebingen Variant Classification Criteria Version 2. Collection method: clinical testing. Allele origin: germline. Affected: yes. Observed: 1 variant allele.
Comment: MUC5B: BP4